The following is an entry in ClinVar:

ClinVar aggregate classification (germline): Uncertain significance (1 of 4 stars; one submission).

Conditions:
Osteogenesis imperfecta type I (OI1). Also called: OI, TYPE I; OSTEOGENESIS IMPERFECTA TARDA; OSTEOGENESIS IMPERFECTA WITH BLUE SCLERAE; Osteogenesis imperfecta type 1; Lobstein's Disease; Lobstein disease. Identifiers: Orphanet 216796, Orphanet 666, MedGen C0023931, MONDO:0008146, OMIM 166200. Disease mechanism: loss of function.
Ehlers-Danlos syndrome, classic type, 1 (EDSCL1). Also called: EHLERS-DANLOS SYNDROME, GRAVIS TYPE; EHLERS-DANLOS SYNDROME, SEVERE CLASSIC TYPE; Ehlers-Danlos syndrome, type 1; EDS I; Ehlers-Danlos Syndrome, Classic Type, COL5A1-Related. Identifiers: MedGen C0268335, MONDO:0019567, OMIM 130000.

gnomAD v4.1: 1 of 1,614,054 alleles (0.000062%); highest among the groups gnomAD compares: Admixed American, 0.0017%; no homozygotes.

Submission:

Labcorp Genetics (formerly Invitae), Labcorp
Classification: Uncertain significance for Osteogenesis imperfecta type I; Ehlers-Danlos syndrome, classic type, 1. Last evaluated: 2025-10-27. Review status: criteria provided, single submitter. Criteria: Invitae Variant Classification Sherloc (09022015). Collection method: clinical testing. Allele origin: germline.
Comment: This sequence change replaces glutamine, which is neutral and polar, with proline, which is neutral and non-polar, at codon 825 of the COL1A2 protein (p.Gln825Pro). This variant is not present in population databases (gnomAD no frequency). This variant has not been reported in the literature in individuals affected with COL1A2-related conditions. ClinVar contains an entry for this variant (Variation ID: 1355332). Invitae Evidence Modeling of protein sequence and biophysical properties (such as structural, functional, and spatial information, amino acid conservation, physicochemical variation, residue mobility, and thermodynamic stability) indicates that this missense variant is not expected to disrupt COL1A2 protein function with a negative predictive value of 95%. In summary, the available evidence is currently insufficient to determine the role of this variant in disease. Therefore, it has been classified as a Variant of Uncertain Significance.

NM_000089.4(COL1A2):c.2474A>C (p.Gln825Pro)

Gene: COL1A2 (collagen type I alpha 2 chain; plus strand). Cytogenetic location: 7q21.3.
Variant type: single nucleotide variant.
Coding change: c.2474A>C on transcript NM_000089.4 (MANE Select); coding-DNA position 2474, A replaced by C.
Protein change: p.Gln825Pro; replaces glutamine 825 with proline.
Molecular consequence: missense variant.
Genome position (GRCh38, 1-based): chr7:94,423,027, A>C. VCF-style: chr7-94423027-A-C. GRCh37 (hg19) VCF-style: chr7-94052339-A-C.
Other names: short protein forms Q825P.
Identifiers: ClinVar variation 1355332 (VCV001355332.8), dbSNP rs556922843, ClinGen allele CA368224002.